The following is an entry in ClinVar:

NC_000016.9:g.(?_5125369)_(5134882_?)del

Genes: ALG1 (ALG1 chitobiosyldiphosphodolichol beta-mannosyltransferase; plus strand), EEF2KMT (eukaryotic elongation factor 2 lysine methyltransferase; minus strand). Cytogenetic location: 16p13.3.
Variant type: Deletion.
Identifiers: ClinVar variation 1522448 (VCV001522448.5).

ClinVar aggregate classification (germline): Pathogenic (1 of 4 stars; one submission).

Conditions:
ALG1-congenital disorder of glycosylation. Also called: CONGENITAL DISORDER OF GLYCOSYLATION, TYPE Ik; CDG Ik; ALG1-CDG. Identifiers: Orphanet 79327, MedGen C2931005, MONDO:0012052, OMIM 608540.

Submission:

Labcorp Genetics (formerly Invitae), Labcorp
Classification: Pathogenic for ALG1-congenital disorder of glycosylation. Last evaluated: 2024-01-14. Review status: criteria provided, single submitter. Criteria: Invitae Variant Classification Sherloc (09022015). Collection method: clinical testing. Allele origin: germline.
Comment: This variant is a gross deletion of the genomic region encompassing exon(s) 4-13 of the ALG1 gene, which includes the termination codon. This deletion extends beyond the assayed region for this gene and therefore may encompass additional genes. While this deletion is not anticipated to lead to nonsense mediated decay, it is expected to alter mRNA translation or result in a truncated protein product. This variant has not been reported in the literature in individuals affected with ALG1-related conditions. This variant disrupts a region of the ALG1 protein in which other variant(s) (p.Ser258Leu) have been determined to be pathogenic (PMID: 14709599, 14973782, 22966035, 26931382, 27325525, 28554332). This suggests that this is a clinically significant region of the protein, and that variants that disrupt it are likely to be disease-causing. For these reasons, this variant has been classified as Pathogenic.

Literature cited by the submitters: PubMed 14709599; PubMed 14973782; PubMed 22966035; PubMed 26931382; PubMed 27325525; PubMed 28554332.